The following is an entry in ClinVar:

ClinVar aggregate classification (germline): Uncertain significance (1 of 4 stars; one submission).

Conditions:
Purine-nucleoside phosphorylase deficiency. Also called: NUCLEOSIDE PHOSPHORYLASE DEFICIENCY; Immunodeficiency due to purine nucleoside phosphorylase deficiency. Identifiers: Orphanet 760, MedGen C0268125, MONDO:0013171, OMIM 613179.

Allele frequency attached by ClinVar (database versions not stated): gnomAD below 0.00001 and 0.00001; TOPMed below 0.00001; gnomAD exomes 0.00004 and 0.00008; ExAC 0.00010.

Submissions (2):

Labcorp Genetics (formerly Invitae), Labcorp
Classification: Uncertain significance for Purine-nucleoside phosphorylase deficiency. Last evaluated: 2021-09-02. Review status: criteria provided, single submitter. Criteria: Invitae Variant Classification Sherloc (09022015). Collection method: clinical testing. Allele origin: germline.
Comment: This sequence change replaces valine with isoleucine at codon 113 of the PNP protein (p.Val113Ile). The valine residue is highly conserved and there is a small physicochemical difference between valine and isoleucine. This variant is present in population databases (rs745437851, ExAC 0.07%). This variant has not been reported in the literature in individuals affected with PNP-related conditions. Algorithms developed to predict the effect of missense changes on protein structure and function (SIFT, PolyPhen-2, Align-GVGD) all suggest that this variant is likely to be tolerated. Algorithms developed to predict the effect of sequence changes on RNA splicing suggest that this variant may create or strengthen a splice site. In summary, the available evidence is currently insufficient to determine the role of this variant in disease. Therefore, it has been classified as a Variant of Uncertain Significance.

Dr. Peter K. Rogan Lab, Western University
No classification provided (evidence only). Condition: Malignant lymphoma, large B-cell, diffuse. Review status: no classification provided. Collection method: in vitro. Allele origin: not applicable. Functional consequence: retained intron. Not counted in ClinVar's aggregate classification.

NM_000270.4(PNP):c.337G>A (p.Val113Ile)

Gene: PNP (purine nucleoside phosphorylase; plus strand). Cytogenetic location: 14q11.2.
Variant type: single nucleotide variant.
Coding change: c.337G>A on transcript NM_000270.4 (MANE Select); coding-DNA position 337, G replaced by A.
Protein change: p.Val113Ile; replaces valine 113 with isoleucine.
Molecular consequence: missense variant.
Genome position (GRCh38, 1-based): chr14:20,474,824, G>A. VCF-style: chr14-20474824-G-A. GRCh37 (hg19) VCF-style: chr14-20942983-G-A.
Other names: short protein forms V113I.
Identifiers: ClinVar variation 1022089 (VCV001022089.7), dbSNP rs745437851, ClinGen allele CA7082104.
Genomic context (GRCh38, chr14:20,474,824, plus strand): 5'-GCTTCGAAGGTGACATTCCCAGTGAGGGTTTTCCACCTTCTGGGTGTGGACACCCTGGTA[G>A]TCACCAATGCAGCAGGAGGGCTGAACCCCAAGTTTGAGGTTGGAGATATCATGCTGATCC-3'
Protein context (NP_000261.2, residues 103-123): FHLLGVDTLV[Val113Ile]TNAAGGLNPK